The following is an entry in ClinVar:

NM_001267052.2(UNC45B):c.1789G>A (p.Ala597Thr)

Gene: UNC45B (unc-45 myosin chaperone B; plus strand). Cytogenetic location: 17q12.
Variant type: single nucleotide variant.
Coding change: c.1789G>A on transcript NM_001267052.2 (MANE Select); coding-DNA position 1789, G replaced by A.
Protein change: p.Ala597Thr; replaces alanine 597 with threonine.
Molecular consequence: missense variant.
Genome position (GRCh38, 1-based): chr17:35,171,421, G>A. VCF-style: chr17-35171421-G-A. GRCh37 (hg19) VCF-style: chr17-33498440-G-A.
Other names: c.1789G>A, p.Ala597Thr (NM_001033576.2); c.1552G>A, p.Ala518Thr (NM_001308281.1); c.1795G>A, p.Ala599Thr (NM_173167.3); short protein forms A518T, A597T, A599T.
Identifiers: ClinVar variation 2636091 (VCV002636091.1), dbSNP rs142280963, ClinGen allele CA8501275.
Genomic context (GRCh38, chr17:35,171,421, plus strand): 5'-CTGGTGAACTGCACCAACAGCTACGATGTCAAGGAGGTCATCCCAGAGCTTGTCCAGCTC[G>A]CCAAGTTCTCCAAGCAGCATGTGCCCGAGGAACACCCCAAGGTAGGGTCAGGCGCGACCC-3'
Protein context (NP_001253981.1, residues 587-607): KEVIPELVQL[Ala597Thr]KFSKQHVPEE

ClinVar aggregate classification (germline): Uncertain significance (1 of 4 stars; one submission).

Conditions:
UNC45B-related disorder. Also called: UNC45B-related condition.

gnomAD v4.1: 110 of 1,614,132 alleles (0.0068%); highest among the groups gnomAD compares: Middle Eastern, 0.049%; no homozygotes.

Submission:

PreventionGenetics, part of Exact Sciences
Classification: Uncertain significance for UNC45B-related condition. Last evaluated: 2023-02-20. Review status: criteria provided, single submitter. Criteria: ACMG Guidelines, 2015. Collection method: clinical testing. Allele origin: germline.
Comment: The UNC45B c.1795G>A variant is predicted to result in the amino acid substitution p.Ala599Thr. To our knowledge, this variant has not been reported in the literature. This variant is reported in 0.018% of alleles in individuals of European (Non-Finnish) descent in gnomAD. At this time, the clinical significance of this variant is uncertain due to the absence of conclusive functional and genetic evidence.